The following is an entry in ClinVar:

ClinVar aggregate classification (germline): Uncertain significance (1 of 4 stars; one submission).

gnomAD v4.1: 36 of 1,609,246 alleles (0.0022%); highest among the groups gnomAD compares: Non-Finnish European, 0.0031%; no homozygotes.

Submission:

Labcorp Genetics (formerly Invitae), Labcorp
Classification: Uncertain significance. Last evaluated: 2024-04-02. Review status: criteria provided, single submitter. Criteria: Invitae Variant Classification Sherloc (09022015). Collection method: clinical testing. Allele origin: germline.
Comment: This sequence change falls in intron 7 of the GPR179 gene. It does not directly change the encoded amino acid sequence of the GPR179 protein. It affects a nucleotide within the consensus splice site. This variant is present in population databases (rs765706293, gnomAD 0.002%). This variant has not been reported in the literature in individuals affected with GPR179-related conditions. Variants that disrupt the consensus splice site are a relatively common cause of aberrant splicing (PMID: 17576681, 9536098). Algorithms developed to predict the effect of sequence changes on RNA splicing suggest that this variant may disrupt the consensus splice site. In summary, the available evidence is currently insufficient to determine the role of this variant in disease. Therefore, it has been classified as a Variant of Uncertain Significance.

Literature cited by the submitters: PubMed 17576681; PubMed 9536098.

NM_001004334.4(GPR179):c.1645+5G>C

Gene: GPR179 (G protein-coupled receptor 179; minus strand). Cytogenetic location: 17q12.
Variant type: single nucleotide variant.
Coding change: c.1645+5G>C on transcript NM_001004334.4 (MANE Select); 5 bases into the intron after coding-DNA position 1645, G replaced by C.
Molecular consequence: intron variant.
Genome position (GRCh38, 1-based): chr17:38,335,028, C>G on the plus strand (G>C on the coding strand, the complement: GPR179 is on the minus strand). VCF-style: chr17-38335028-C-G. GRCh37 (hg19) VCF-style: chr17-36490911-C-G.
Identifiers: ClinVar variation 3617262 (VCV003617262.2).